The following is an entry in ClinVar:

ClinVar aggregate classification (germline): Uncertain significance. Review status: criteria provided, multiple submitters, no conflicts (2 of 4 stars). 2 submissions from 2 submitters: Uncertain significance (2). Last evaluated 2026-02-12.

Submissions (2):

GeneDx
Classification: Uncertain significance. Last evaluated: 2026-02-12. Review status: criteria provided, single submitter. Criteria: GeneDx Variant Classification Process June 2021. Collection method: clinical testing. Allele origin: germline.
Comment: Not observed at significant frequency in large population cohorts (gnomAD); In silico analysis suggests that this missense variant does not alter protein structure/function; Has not been previously published as pathogenic or benign to our knowledge

Mayo Clinic Laboratories, Mayo Clinic
Classification: Uncertain significance. Last evaluated: 2025-07-11. Review status: criteria provided, single submitter. Criteria: ACMG Guidelines, 2015. Collection method: clinical testing. Allele origin: germline. Observed: 1 variant allele.
Comment: BP4_moderate, PM2_supporting

NM_014159.7(SETD2):c.6007G>A (p.Val2003Met)

Gene: SETD2 (SET domain containing 2, histone lysine methyltransferase; minus strand). Cytogenetic location: 3p21.31.
Variant type: single nucleotide variant.
Coding change: c.6007G>A on transcript NM_014159.7 (MANE Select); coding-DNA position 6007, G replaced by A.
Protein change: p.Val2003Met; replaces valine 2003 with methionine.
Molecular consequence: missense variant. On other transcripts: non-coding transcript variant (1).
Genome position (GRCh38, 1-based): chr3:47,083,773, C>T on the plus strand (G>A on the coding strand, the complement: SETD2 is on the minus strand). VCF-style: chr3-47083773-C-T. GRCh37 (hg19) VCF-style: chr3-47125263-C-T.
Other names: p.Val2003Met; c.5875G>A, p.Val1959Met (NM_001349370.3); short protein forms V1959M, V2003M.
Identifiers: ClinVar variation 4540866 (VCV004540866.2).